The following is an entry in ClinVar:

ClinVar aggregate classification (germline): Uncertain significance. Review status: criteria provided, multiple submitters, no conflicts (2 of 4 stars). 3 submissions from 3 submitters: Uncertain significance (3). Last evaluated 2024-11-26.

Allele frequency attached by ClinVar (database versions not stated): gnomAD exomes 0.00001 and below 0.00001; TOPMed 0.00001.

Submissions (3):

GeneDx
Classification: Uncertain significance. Last evaluated: 2024-11-26. Review status: criteria provided, single submitter. Criteria: GeneDx Variant Classification Process June 2021. Collection method: clinical testing. Allele origin: germline. Affected: yes.
Comment: Not observed at significant frequency in large population cohorts (gnomAD); In silico analysis supports that this missense variant has a deleterious effect on protein structure/function; Has not been previously published as pathogenic or benign to our knowledge

Blueprint Genetics
Classification: Uncertain significance. Last evaluated: 2024-06-17. Review status: criteria provided, single submitter. Criteria: ACMG Guidelines, 2015. Collection method: clinical testing. Allele origin: germline.

Labcorp Genetics (formerly Invitae), Labcorp
Classification: Uncertain significance. Last evaluated: 2020-09-12. Review status: criteria provided, single submitter. Criteria: Invitae Variant Classification Sherloc (09022015). Collection method: clinical testing. Allele origin: germline.
Comment: This sequence change replaces serine with leucine at codon 951 of the ANLN protein (p.Ser951Leu). The serine residue is moderately conserved and there is a large physicochemical difference between serine and leucine. This variant is not present in population databases (ExAC no frequency). This variant has not been reported in the literature in individuals with ANLN-related conditions. Algorithms developed to predict the effect of missense changes on protein structure and function are either unavailable or do not agree on the potential impact of this missense change (SIFT: "Tolerated"; PolyPhen-2: "Probably Damaging"; Align-GVGD: "Class C0"). In summary, the available evidence is currently insufficient to determine the role of this variant in disease. Therefore, it has been classified as a Variant of Uncertain Significance.

NM_018685.5(ANLN):c.2852C>T (p.Ser951Leu)

Gene: ANLN (anillin, actin binding protein; plus strand). Cytogenetic location: 7p14.2.
Variant type: single nucleotide variant.
Coding change: c.2852C>T on transcript NM_018685.5 (MANE Select); coding-DNA position 2852, C replaced by T.
Protein change: p.Ser951Leu; replaces serine 951 with leucine.
Molecular consequence: missense variant.
Genome position (GRCh38, 1-based): chr7:36,426,997, C>T. VCF-style: chr7-36426997-C-T. GRCh37 (hg19) VCF-style: chr7-36466606-C-T.
Other names: c.2852C>T (NM_018685.4); c.2741C>T, p.Ser914Leu (NM_001284301.3); c.2738C>T, p.Ser913Leu (NM_001284302.3); short protein forms S914L, S951L, S913L.
Identifiers: ClinVar variation 1038705 (VCV001038705.10), dbSNP rs1393033180, ClinGen allele CA367214854.